The following is an entry in ClinVar:

ClinVar aggregate classification (germline): Likely pathogenic. Review status: criteria provided, multiple submitters, no conflicts (2 of 4 stars). 2 submissions from 2 submitters: Likely pathogenic (2). Last evaluated 2023-06-09.

Conditions:
Retinitis pigmentosa 39 (RP39). Identifiers: Orphanet 791, MedGen C3151138, MONDO:0013436, OMIM 613809.

gnomAD v4.1: 6 of 1,614,098 alleles (0.00037%); highest among the groups gnomAD compares: Non-Finnish European, 0.00051%; no homozygotes.

Submissions (2):

Labcorp Genetics (formerly Invitae), Labcorp
Classification: Likely pathogenic. Last evaluated: 2023-06-09. Review status: criteria provided, single submitter. Criteria: Invitae Variant Classification Sherloc (09022015). Collection method: clinical testing. Allele origin: germline.
Comment: This sequence change affects a donor splice site in intron 70 of the USH2A gene. It is expected to disrupt RNA splicing. Variants that disrupt the donor or acceptor splice site typically lead to a loss of protein function (PMID: 16199547), and loss-of-function variants in USH2A are known to be pathogenic (PMID: 10729113, 10909849, 20507924, 25649381). This variant is not present in population databases (gnomAD no frequency). Algorithms developed to predict the effect of sequence changes on RNA splicing suggest that this variant may disrupt the consensus splice site. ClinVar contains an entry for this variant (Variation ID: 1467759). Disruption of this splice site has been observed in individual(s) with USH2A-related conditions (Invitae). In summary, the currently available evidence indicates that the variant is pathogenic, but additional data are needed to prove that conclusively. Therefore, this variant has been classified as Likely Pathogenic.

Baylor Genetics
Classification: Likely pathogenic for Retinitis pigmentosa 39. Last evaluated: 2023-01-27. Review status: criteria provided, single submitter. Criteria: ACMG Guidelines, 2015. Collection method: clinical testing. Allele origin: unknown.

Literature cited by the submitters: PubMed 16199547 (cited by Labcorp Genetics (formerly Invitae), Labcorp); PubMed 10729113 (cited by Labcorp Genetics (formerly Invitae), Labcorp); PubMed 10909849 (cited by Labcorp Genetics (formerly Invitae), Labcorp); PubMed 20507924 (cited by Labcorp Genetics (formerly Invitae), Labcorp); PubMed 25649381 (cited by Labcorp Genetics (formerly Invitae), Labcorp).

NM_206933.4(USH2A):c.15297+1G>T

Gene: USH2A (usherin; minus strand). Cytogenetic location: 1q41.
Variant type: single nucleotide variant.
Coding change: c.15297+1G>T on transcript NM_206933.4 (MANE Select); the canonical splice donor site of the intron after coding-DNA position 15297, G replaced by T.
Molecular consequence: splice donor variant.
Genome position (GRCh38, 1-based): chr1:215,634,458, C>A on the plus strand (G>T on the coding strand, the complement: USH2A is on the minus strand). VCF-style: chr1-215634458-C-A. GRCh37 (hg19) VCF-style: chr1-215807800-C-A.
Identifiers: ClinVar variation 1467759 (VCV001467759.7), dbSNP rs767630412, ClinGen allele CA344823196.